The following is an entry in ClinVar:

NM_000127.3(EXT1):c.1333T>C (p.Trp445Arg)

Gene: EXT1 (exostosin glycosyltransferase 1; minus strand). Cytogenetic location: 8q24.11.
Variant type: single nucleotide variant.
Coding change: c.1333T>C on transcript NM_000127.3 (MANE Select); coding-DNA position 1333, T replaced by C.
Protein change: p.Trp445Arg; replaces tryptophan 445 with arginine.
Molecular consequence: missense variant.
Genome position (GRCh38, 1-based): chr8:117,822,549, A>G on the plus strand (T>C on the coding strand, the complement: EXT1 is on the minus strand). VCF-style: chr8-117822549-A-G. GRCh37 (hg19) VCF-style: chr8-118834788-A-G.
Other names: short protein forms W445R.
Identifiers: ClinVar variation 449017 (VCV000449017.2), dbSNP rs1554579012, ClinGen allele CA371887948.

ClinVar aggregate classification (germline): Uncertain significance (1 of 4 stars; one submission).

Submission:

GeneDx
Classification: Uncertain significance. Last evaluated: 2017-11-07. Review status: criteria provided, single submitter. Criteria: GeneDx Variant Classification (06012015). Collection method: clinical testing. Allele origin: germline. Affected: yes.
Comment: The W445R variant has not been published as a pathogenic variant, nor has it been reported as a benign variant to our knowledge. The variant is not observed in large population cohorts (Lek et al., 2016). W445R is a non-conservative amino acid substitution, which is likely to impact secondary protein structure as these residues differ in polarity, charge, size and/or other properties. In-silico analyses, including protein predictors and evolutionary conservation, support a deleterious effect. In summary, based on the currently available information, it is unclear whether this variant is a pathogenic variant or a rare benign variant.